The following is an entry in ClinVar:

NM_024747.6(HPS6):c.1270GAA[1] (p.Glu425del)

Gene: HPS6 (HPS6 biogenesis of lysosomal organelles complex 2 subunit 3; plus strand). Cytogenetic location: 10q24.32.
Variant type: Microsatellite.
Coding change: c.1270GAA[1] on transcript NM_024747.6 (MANE Select); one copy of the 3-base unit GAA starting at c.1270; the reference has two copies in a row; one copy, 3 bases deleted.
Protein change: p.Glu425del; deletes glutamic acid 425.
Molecular consequence: inframe deletion. On other transcripts: inframe indel (2).
Genome position (GRCh38, 1-based): chr10:102,066,747-102,066,749, GAA deleted; deleting any 3 consecutive bases within chr10:102,066,743-102,066,749 gives the same sequence; the position shown is the placement nearest the transcript's 3' end. VCF-style (leftmost placement, unchanged base first): chr10-102066742-CAGA-C. GRCh37 (hg19) VCF-style: chr10-103826499-CAGA-C.
Other names: c.1270_1272GAA[1], p.Glu425del (NM_024747.5); c.1273_1275delGAA (NM_024747.5); short protein forms E425del.
Identifiers: ClinVar variation 3255167 (VCV003255167.1), dbSNP rs766181307.

ClinVar aggregate classification (germline): Uncertain significance (1 of 4 stars; one submission).

Conditions:
Hermansky-Pudlak syndrome 6 (HPS6). Identifiers: Orphanet 231512, Orphanet 79430, MedGen C3888007, MONDO:0013558, OMIM 614075.

Submission:

Victorian Clinical Genetics Services, Murdoch Childrens Research Institute
Classification: Uncertain significance for Hermansky-Pudlak syndrome 6. Last evaluated: 2023-07-17. Review status: criteria provided, single submitter. Criteria: ACMG Guidelines, 2015. Collection method: clinical testing. Allele origin: germline. Inheritance: Autosomal recessive inheritance. Affected: yes.
Comment: Based on the classification scheme VCGS_Germline_v1.3.4, this variant is classified as VUS-3A. Following criteria are met: 0102 - Loss of function is a mechanism of disease in this gene and is associated with Hermansky-Pudlak syndrome 6 (MIM#614075) (PMIDs: 19843503, 27917594, 30369044). (I) 0106 - This gene is associated with autosomal recessive disease. (I) 0216 - In-frame deletion in a non-repetitive region that has moderate conservation. (SP) 0251 - This variant is heterozygous. (I) 0304 - Variant is present in gnomAD (v2) <0.01 for a recessive condition (6 heterozygotes, 0 homozygotes). (SP) 0600 - Variant is located in the annotated Hermansky-Pudlak syndrome 6 protein C-terminal domain (DECIPHER). (I) 0705 - No comparable in-frame deletion variants have previous evidence for pathogenicity. (I) 0809 - Previous evidence of pathogenicity for this variant is inconclusive. This variant has been classified once as a VUS (LOVD). (I) 0905 - No published segregation evidence has been identified for this variant. (I) 1007 - No published functional evidence has been identified for this variant. (I) 1102 - Strong phenotype match for this individual. (SP) 1208 - Inheritance information for this variant is not currently available in this individual. (I) Legend: (SP) - Supporting pathogenic, (I) - Information, (SB) - Supporting benign

Literature cited by the submitters: PubMed 19843503; PubMed 27917594; PubMed 30369044.